The following is an entry in ClinVar:

NM_017514.5(PLXNA3):c.2085C>T (p.Pro695=)

Gene: PLXNA3 (plexin A3; plus strand). Cytogenetic location: Xq28.
Variant type: single nucleotide variant.
Coding change: c.2085C>T on transcript NM_017514.5 (MANE Select); coding-DNA position 2085, C replaced by T.
Protein change: p.Pro695=; no amino-acid change (proline 695 retained).
Molecular consequence: synonymous variant.
Genome position (GRCh38, 1-based): chrX:154,465,059, C>T. VCF-style: chrX-154465059-C-T. GRCh37 (hg19) VCF-style: chrX-153693402-C-T.
Identifiers: ClinVar variation 3029335 (VCV003029335.2), dbSNP rs782410957, ClinGen allele CA10564271.

ClinVar aggregate classification (germline): Likely benign (0 of 4 stars; one submission).

Conditions:
PLXNA3-related disorder. Also called: PLXNA3-related condition.

Allele frequency attached by ClinVar (database versions not stated): gnomAD exomes 0.00003; gnomAD 0.00005; TOPMed 0.00006; ExAC 0.00009.
gnomAD v4.1: 34 of 1,207,864 alleles (0.0028%); highest among the groups gnomAD compares: Admixed American, 0.055%; no homozygotes.

Submission:

PreventionGenetics, part of Exact Sciences
Classification: Likely benign for PLXNA3-related condition. Last evaluated: 2022-06-29. Review status: no assertion criteria provided. Collection method: clinical testing. Allele origin: germline.
Comment: This variant is classified as likely benign based on ACMG/AMP sequence variant interpretation guidelines (Richards et al. 2015 PMID: 25741868, with internal and published modifications).